The following is an entry in ClinVar:

NM_003482.4(KMT2D):c.15900C>T (p.Ala5300=)

Gene: KMT2D (lysine methyltransferase 2D; minus strand). Cytogenetic location: 12q13.12.
Variant type: single nucleotide variant.
Coding change: c.15900C>T on transcript NM_003482.4 (MANE Select); coding-DNA position 15900, C replaced by T.
Protein change: p.Ala5300=; no amino-acid change (alanine 5300 retained).
Molecular consequence: synonymous variant.
Genome position (GRCh38, 1-based): chr12:49,024,831, G>A on the plus strand (C>T on the coding strand, the complement: KMT2D is on the minus strand). VCF-style: chr12-49024831-G-A. GRCh37 (hg19) VCF-style: chr12-49418614-G-A.
Identifiers: ClinVar variation 3671114 (VCV003671114.6).

ClinVar aggregate classification (germline): Likely benign. Review status: criteria provided, multiple submitters, no conflicts (2 of 4 stars). 2 submissions from 2 submitters: Likely benign (2). Last evaluated 2026-02-01.

Conditions:
Kabuki syndrome. Also called: Kabuki make-up syndrome; NIIKAWA-KUROKI SYNDROME. Identifiers: Orphanet 2322, MedGen C0796004, MONDO:0016512.

gnomAD v4.1: 14 of 1,612,716 alleles (0.00087%); highest among the groups gnomAD compares: Middle Eastern, 0.016%; no homozygotes.

Submissions (2):

CeGaT Center for Human Genetics Tuebingen
Classification: Likely benign. Last evaluated: 2026-02-01. Review status: criteria provided, single submitter. Criteria: CeGaT Center For Human Genetics Tuebingen Variant Classification Criteria Version 2. Collection method: clinical testing. Allele origin: germline. Affected: yes. Observed: 1 variant allele.
Comment: KMT2D: BP4, BP7

Labcorp Genetics (formerly Invitae), Labcorp
Classification: Likely benign for Kabuki syndrome. Last evaluated: 2025-10-03. Review status: criteria provided, single submitter. Criteria: Invitae Variant Classification Sherloc (09022015). Collection method: clinical testing. Allele origin: germline.